The following is an entry in ClinVar:

ClinVar aggregate classification (germline): Benign/Likely benign. Review status: criteria provided, multiple submitters, no conflicts (2 of 4 stars). 3 submissions from 3 submitters: Benign (2); Likely benign (1). Last evaluated 2018-07-15.

Conditions:
Surfactant metabolism dysfunction, pulmonary, 2 (SMDP2). Also called: INTERSTITIAL LUNG DISEASE DUE TO SURFACTANT PROTEIN C DEFICIENCY; PULMONARY ALVEOLAR PROTEINOSIS, CONGENITAL, 2; DESQUAMATIVE INTERSTITIAL PNEUMONITIS DUE TO SURFACTANT PROTEIN C DEFICIENCY. Identifiers: Orphanet 440392, MedGen C1970470, MONDO:0024465, OMIM 610913.

Allele frequency attached by ClinVar (database versions not stated): gnomAD 0.06153 and 0.06596; TOPMed 0.06955; 1000 Genomes Project 30x 0.07105; 1000 Genomes Project 0.06589.
gnomAD v4.1: 18,693 of 1,607,154 alleles (1.2%); highest among the groups gnomAD compares: African/African-American, 22%; 1,806 homozygotes.

Submissions (3):

GeneDx
Classification: Benign. Last evaluated: 2018-07-15. Review status: criteria provided, single submitter. Criteria: GeneDx Variant Classification Process June 2021. Collection method: clinical testing. Allele origin: germline. Affected: yes.

Illumina Laboratory Services, Illumina
Classification: Benign for Surfactant metabolism dysfunction, pulmonary, 2. Last evaluated: 2018-01-13. Review status: criteria provided, single submitter. Criteria: ICSL Variant Classification Criteria 13 December 2019. Collection method: clinical testing. Allele origin: germline.
Comment: This variant was observed in the ICSL laboratory as part of a predisposition screen in an ostensibly healthy population. It had not been previously curated by ICSL or reported in the Human Gene Mutation Database (HGMD: prior to June 1st, 2018), and was therefore a candidate for classification through an automated scoring system. Utilizing variant allele frequency, disease prevalence and penetrance estimates, and inheritance mode, an automated score was calculated to assess if this variant is too frequent to cause the disease. Based on the score and internal cut-off values, a variant classified as benign is not then subjected to further curation. The score for this variant resulted in a classification of benign for this disease.

Breakthrough Genomics
Classification: Likely benign. Review status: criteria provided, single submitter. Criteria: ACMG Guidelines, 2015. Collection method: not provided. Allele origin: germline. Inheritance: Autosomal dominant inheritance. Affected: yes.

NM_003018.3(SFTPC):c.-134G>C

Gene: SFTPC (surfactant protein C; plus strand). Cytogenetic location: 8p21.3.
Variant type: single nucleotide variant.
Coding change: c.-134G>C on transcript NM_003018.3; 134 bases upstream of the start codon, G replaced by C.
Molecular consequence: intron variant (on NM_001385655.1).
Genome position (GRCh38, 1-based): chr8:22,161,695, G>C. VCF-style: chr8-22161695-G-C. GRCh37 (hg19) VCF-style: chr8-22019208-G-C.
Other names: c.-53-81G>C (NM_001385655.1, NM_001385654.1, NM_001385656.1 and 4 more transcripts).
Identifiers: ClinVar variation 362544 (VCV000362544.11), dbSNP rs28438700, ClinGen allele CA10630673.